The following is an entry in ClinVar:

ClinVar aggregate classification (germline): Conflicting classifications of pathogenicity. Review status: criteria provided, conflicting classifications (1 of 4 stars). 3 submissions from 3 submitters: Uncertain significance (2); Likely benign (1). Last evaluated 2026-09-11.

Conditions:
Hypercholesterolemia, autosomal dominant, type B (FHCL2). Also called: Familial Hypercholesterolemia Type B; Hyperlipoproteinemia Type IIb; Familial hypercholesterolemia 2; APOB-Related Familial Hypercholesterolemia, Autosomal Dominant; APOLIPOPROTEIN B-100, FAMILIAL DEFECTIVE; APOLIPOPROTEIN B-100, FAMILIAL LIGAND-DEFECTIVE. Identifiers: MedGen C1704417, MONDO:0007751, OMIM 144010.
Familial hypobetalipoproteinemia 1. Also called: APOB-Related Familial Hypobetalipoproteinemia; Hypobetalipoproteinemia, normotriglyceridemic; Acanthocytosis with hypobetalipoproteinemia. Identifiers: MedGen C4551990, MONDO:0014252, OMIM 615558.
Cardiovascular phenotype. Identifiers: MedGen CN230736.

Allele frequency attached by ClinVar (database versions not stated): gnomAD exomes below 0.00001.
gnomAD v4.1: 2 of 1,614,198 alleles (0.00012%); highest among the groups gnomAD compares: Non-Finnish European, 0.00017%; no homozygotes.

Submissions (3):

Ambry Genetics
Classification: Likely benign for Cardiovascular phenotype. Last evaluated: 2026-09-11. Review status: criteria provided, single submitter. Criteria: Ambry Variant Classification Scheme 2023. Collection method: clinical testing. Allele origin: germline.

CeGaT Center for Human Genetics Tuebingen
Classification: Uncertain significance. Last evaluated: 2025-01-01. Review status: criteria provided, single submitter. Criteria: CeGaT Center For Human Genetics Tuebingen Variant Classification Criteria Version 2. Collection method: clinical testing. Allele origin: germline. Affected: yes. Observed: 1 variant allele.
Comment: APOB: PM2, BP4

Labcorp Genetics (formerly Invitae), Labcorp
Classification: Uncertain significance for Familial hypobetalipoproteinemia 1; Hypercholesterolemia, autosomal dominant, type B. Last evaluated: 2021-09-01. Review status: criteria provided, single submitter. Criteria: Invitae Variant Classification Sherloc (09022015). Collection method: clinical testing. Allele origin: germline.
Comment: This sequence change replaces asparagine with serine at codon 1515 of the APOB protein (p.Asn1515Ser). The asparagine residue is weakly conserved and there is a small physicochemical difference between asparagine and serine. This variant is not present in population databases (ExAC no frequency). This variant has not been reported in the literature in individuals affected with APOB-related conditions. Algorithms developed to predict the effect of missense changes on protein structure and function output the following: SIFT: "Tolerated"; PolyPhen-2: "Benign"; Align-GVGD: "Class C0". The serine amino acid residue is found in multiple mammalian species, which suggests that this missense change does not adversely affect protein function. Algorithms developed to predict the effect of sequence changes on RNA splicing suggest that this variant may create or strengthen a splice site. In summary, the available evidence is currently insufficient to determine the role of this variant in disease. Therefore, it has been classified as a Variant of Uncertain Significance.

Literature cited by the submitters: PubMed 36042188 (cited by Ambry Genetics).

NM_000384.3(APOB):c.4544A>G (p.Asn1515Ser)

Gene: APOB (apolipoprotein B; minus strand). Cytogenetic location: 2p24.1.
Variant type: single nucleotide variant.
Coding change: c.4544A>G on transcript NM_000384.3 (MANE Select); coding-DNA position 4544, A replaced by G.
Protein change: p.Asn1515Ser; replaces asparagine 1515 with serine.
Molecular consequence: missense variant.
Genome position (GRCh38, 1-based): chr2:21,012,324, T>C on the plus strand (A>G on the coding strand, the complement: APOB is on the minus strand). VCF-style: chr2-21012324-T-C. GRCh37 (hg19) VCF-style: chr2-21235196-T-C.
Other names: short protein forms N1515S.
Identifiers: ClinVar variation 657773 (VCV000657773.22), dbSNP rs1572785504, ClinGen allele CA346006660.